The following is an entry in ClinVar:

NM_005523.6(HOXA11):c.519G>T (p.Thr173=)

Genes: HOXA11 (homeobox A11; minus strand), LOC107126281 (NUP98-HOXA11 recombination region; plus strand). Cytogenetic location: 7p15.2.
Variant type: single nucleotide variant.
Coding change: c.519G>T on transcript NM_005523.6 (MANE Select); coding-DNA position 519, G replaced by T.
Protein change: p.Thr173=; no amino-acid change (threonine 173 retained).
Molecular consequence: synonymous variant.
Genome position (GRCh38, 1-based): chr7:27,184,626, C>A on the plus strand (G>T on the coding strand, the complement: HOXA11 is on the minus strand). VCF-style: chr7-27184626-C-A. GRCh37 (hg19) VCF-style: chr7-27224245-C-A.
Identifiers: ClinVar variation 3031634 (VCV003031634.3), dbSNP rs562527955, ClinGen allele CA4198394.

ClinVar aggregate classification (germline): Likely benign. Review status: criteria provided, single submitter (1 of 4 stars). 2 submissions from 2 submitters: Likely benign (1). 1 of the submissions does not count toward it. Last evaluated 2023-07-24.

Conditions:
HOXA11-related disorder. Also called: HOXA11-related condition.

Allele frequency attached by ClinVar (database versions not stated): gnomAD 0.00005; ExAC 0.00028; 1000 Genomes Project 30x 0.00094; 1000 Genomes Project 0.00120.
gnomAD v4.1: 55 of 1,545,720 alleles (0.0036%); highest among the groups gnomAD compares: South Asian, 0.064%; 1 homozygote.

Submissions (2):

Blueprint Genetics
Classification: Likely benign. Last evaluated: 2023-07-24. Review status: criteria provided, single submitter. Criteria: ACMG Guidelines, 2015. Collection method: clinical testing. Allele origin: germline.

PreventionGenetics, part of Exact Sciences
Classification: Likely benign for HOXA11-related condition. Last evaluated: 2021-07-14. Review status: no assertion criteria provided. Collection method: clinical testing. Allele origin: germline. Not counted in ClinVar's aggregate classification.
Comment: This variant is classified as likely benign based on ACMG/AMP sequence variant interpretation guidelines (Richards et al. 2015 PMID: 25741868, with internal and published modifications).